The following is an entry in ClinVar:

ClinVar aggregate classification (germline): Uncertain significance (1 of 4 stars; one submission).

Submission:

GeneDx
Classification: Uncertain significance. Last evaluated: 2018-03-02. Review status: criteria provided, single submitter. Criteria: GeneDx Variant Classification (06012015). Collection method: clinical testing. Allele origin: germline. Affected: yes.
Comment: The Y470X variant in the TGFBR2 gene has not been reported as a pathogenic or benign to our knowledge. This variant is not observed in large population cohorts (Lek et al., 2016). Y470X is predicted to cause loss of normal protein function either by protein truncation or nonsense-mediated mRNA decay. Although other nonsense variants in the TGFBR2 gene have been reported in Human Gene Mutation Database in association with Loeys-Dietz syndrome (Stenson et al., 2014), the majority of pathogenic variants are missense changes, suggesting that haploinsufficiency may not be the primary mechanism for disease in this gene. Thus, in the absence of functional mRNA studies, the physiological consequence of this variant cannot be precisely determined. Therefore, based on the currently available information, it is unclear whether this variant is pathogenic or rare benign.

NM_003242.6(TGFBR2):c.1410T>G (p.Tyr470Ter)

Gene: TGFBR2 (transforming growth factor beta receptor 2; plus strand). Cytogenetic location: 3p24.1.
Variant type: single nucleotide variant.
Coding change: c.1410T>G on transcript NM_003242.6 (MANE Select); coding-DNA position 1410, T replaced by G.
Protein change: p.Tyr470Ter; replaces tyrosine 470 with a stop codon.
Molecular consequence: nonsense.
Genome position (GRCh38, 1-based): chr3:30,688,397, T>G. VCF-style: chr3-30688397-T-G. GRCh37 (hg19) VCF-style: chr3-30729889-T-G.
Other names: c.1485T>G, p.Tyr495Ter (NM_001024847.3); c.1593T>G, p.Tyr531Ter (NM_001407126.1); c.1518T>G, p.Tyr506Ter (NM_001407127.1); c.1437T>G, p.Tyr479Ter (NM_001407128.1); c.1413T>G, p.Tyr471Ter (NM_001407129.1); c.1407T>G, p.Tyr469Ter (NM_001407130.1); c.1305T>G, p.Tyr435Ter (NM_001407132.1, NM_001407133.1, NM_001407134.1 and 2 more transcripts); c.1125T>G, p.Tyr375Ter (NM_001407137.1); and 2 more; short protein forms Y470*, Y495*, Y375*, Y531*, Y350*, Y435*, Y479*, Y506*.
Identifiers: ClinVar variation 504450 (VCV000504450.3), dbSNP rs1553631696, ClinGen allele CA351809215.